The following is an entry in ClinVar:

ClinVar aggregate classification (germline): Likely pathogenic (1 of 4 stars; one submission).

Conditions:
GNE myopathy (NM). Also called: MYOPATHY, DISTAL, WITH OR WITHOUT RIMMED VACUOLES; IBM 2; Inclusion body myopathy autosomal recessive; Inclusion body myopathy quadriceps sparing; NONAKA DISTAL MYOPATHY; INCLUSION BODY MYOPATHY, HEREDITARY, AUTOSOMAL RECESSIVE. Identifiers: Orphanet 602, MedGen C1853926, MONDO:0011603, OMIM 605820.

Submission:

Myriad Genetics, Inc.
Classification: Likely pathogenic for GNE myopathy. Last evaluated: 2021-12-27. Review status: criteria provided, single submitter. Criteria: Myriad Women's Health Autosomal Recessive and X-Linked Classification Criteria (2021). Collection method: clinical testing. Allele origin: unknown.
Comment: NM_001128227.2(GNE):c.1315delA(S439Vfs*16) is expected to be pathogenic in the context of GNE myopathy. This variant is predicted to lead to an abnormal or absent protein product due to the creation of a premature termination codon in GNE, a gene where loss-of-function variants are known to be pathogenic. Please note: this variant was assessed in the context of healthy population screening.

NM_005476.7(GNE):c.1222del (p.Ser408fs)

Gene: GNE (glucosamine (UDP-N-acetyl)-2-epimerase/N-acetylmannosamine kinase; minus strand). Cytogenetic location: 9p13.3.
Variant type: Deletion.
Coding change: c.1222del on transcript NM_005476.7 (MANE Select); coding-DNA position 1222, one base deleted (A; older notation c.1222delA).
Protein change: p.Ser408fs; shifts the reading frame from serine 408.
Molecular consequence: frameshift variant.
Genome position (GRCh38, 1-based): chr9:36,227,307, T deleted on the plus strand (A on the coding strand, the reverse complement: GNE is on the minus strand); the first of 2 consecutive T bases (chr9:36,227,307-36,227,308); deleting either gives the same sequence. VCF-style (leftmost placement, unchanged base first): chr9-36227306-CT-C. GRCh37 (hg19) VCF-style: chr9-36227303-CT-C.
Other names: c.1315del, p.Ser439fs (NM_001128227.3); c.1222del, p.Ser408fs (NM_001190383.3); c.892del, p.Ser298fs (NM_001190384.3); c.1045del, p.Ser349fs (NM_001190388.2, NM_001374798.1); c.1069del, p.Ser357fs (NM_001374797.1); short protein forms S298fs, S349fs, S357fs, S408fs, S439fs.
Identifiers: ClinVar variation 1726599 (VCV001726599.2), dbSNP rs2489662458, ClinGen allele CA2580080541.